The following is an entry in ClinVar:

NM_000152.5(GAA):c.590C>T (p.Thr197Ile)

Gene: GAA (alpha glucosidase; plus strand). Cytogenetic location: 17q25.3.
Variant type: single nucleotide variant.
Coding change: c.590C>T on transcript NM_000152.5 (MANE Select); coding-DNA position 590, C replaced by T.
Protein change: p.Thr197Ile; replaces threonine 197 with isoleucine.
Molecular consequence: missense variant.
Genome position (GRCh38, 1-based): chr17:80,105,792, C>T. VCF-style: chr17-80105792-C-T. GRCh37 (hg19) VCF-style: chr17-78079591-C-T.
Other names: c.590C>T, p.Thr197Ile (NM_001079803.3, NM_001079804.3); short protein forms T197I.
Identifiers: ClinVar variation 954018 (VCV000954018.10), dbSNP rs761890037, ClinGen allele CA401362206.

ClinVar aggregate classification (germline): Uncertain significance (1 of 4 stars; one submission).

Conditions:
Glycogen storage disease, type II (IOPD). Also called: Glucosidase acid-1,4-alpha deficiency; GSD II; POMPE DISEASE, INFANTILE-ONSET; GLYCOGEN STORAGE DISEASE II, INFANTILE-ONSET; ACID ALPHA-GLUCOSIDASE DEFICIENCY, INFANTILE-ONSET; GAA DEFICIENCY, INFANTILE-ONSET. Identifiers: Orphanet 365, MedGen C0017921, MONDO:0009290, OMIM 232300.

Submission:

Labcorp Genetics (formerly Invitae), Labcorp
Classification: Uncertain significance for Glycogen storage disease, type II. Last evaluated: 2019-09-22. Review status: criteria provided, single submitter. Criteria: Invitae Variant Classification Sherloc (09022015). Collection method: clinical testing. Allele origin: germline.
Comment: In summary, the available evidence is currently insufficient to determine the role of this variant in disease. Therefore, it has been classified as a Variant of Uncertain Significance. Algorithms developed to predict the effect of missense changes on protein structure and function (SIFT, PolyPhen-2, Align-GVGD) all suggest that this variant is likely to be tolerated, but these predictions have not been confirmed by published functional studies and their clinical significance is uncertain. This variant has not been reported in the literature in individuals with GAA-related conditions. This variant is not present in population databases (ExAC no frequency). This sequence change replaces threonine with isoleucine at codon 197 of the GAA protein (p.Thr197Ile). The threonine residue is highly conserved and there is a moderate physicochemical difference between threonine and isoleucine.